The following is an entry in ClinVar:

ClinVar aggregate classification (germline): Benign/Likely benign. Review status: criteria provided, multiple submitters, no conflicts (2 of 4 stars). 5 submissions from 5 submitters: Benign (2); Likely benign (2). 1 of the submissions does not count toward it. Last evaluated 2026-09-01.

Conditions:
PACS2-related disorder. Also called: PACS2-related condition.

Allele frequency attached by ClinVar (database versions not stated): 1000 Genomes Project 0.00100; 1000 Genomes Project 30x 0.00172; TOPMed 0.00273; ExAC 0.00299; gnomAD 0.00301 and 0.00309; ESP Exome Variant Server 0.00384; gnomAD exomes 0.00384.
gnomAD v4.1: 6,020 of 1,613,048 alleles (0.37%); highest among the groups gnomAD compares: Non-Finnish European, 0.42%; 20 homozygotes.

Submissions (5):

CeGaT Center for Human Genetics Tuebingen
Classification: Likely benign. Last evaluated: 2026-09-01. Review status: criteria provided, single submitter. Criteria: CeGaT Center For Human Genetics Tuebingen Variant Classification Criteria Version 2. Collection method: clinical testing. Allele origin: germline. Affected: yes. Observed: 38 variant alleles.
Comment: PACS2: BP4, BP7, BS2

Labcorp Genetics (formerly Invitae), Labcorp
Classification: Benign. Last evaluated: 2026-02-03. Review status: criteria provided, single submitter. Criteria: Invitae Variant Classification Sherloc (09022015). Collection method: clinical testing. Allele origin: germline.

Mayo Clinic Laboratories, Mayo Clinic
Classification: Benign. Last evaluated: 2025-01-13. Review status: criteria provided, single submitter. Criteria: ACMG Guidelines, 2015. Collection method: clinical testing. Allele origin: germline. Observed: 2 variant alleles.
Comment: BS1, BS2, BP4, BP7

Blueprint Genetics
Classification: Likely benign. Last evaluated: 2024-11-08. Review status: criteria provided, single submitter. Criteria: ACMG Guidelines, 2015. Collection method: clinical testing. Allele origin: germline.

PreventionGenetics, part of Exact Sciences
Classification: Benign for PACS2-related condition. Last evaluated: 2019-07-12. Review status: no assertion criteria provided. Collection method: clinical testing. Allele origin: germline. Not counted in ClinVar's aggregate classification.
Comment: This variant is classified as benign based on ACMG/AMP sequence variant interpretation guidelines (Richards et al. 2015 PMID: 25741868, with internal and published modifications).

NM_001100913.3(PACS2):c.2691C>T (p.Phe897=)

Gene: PACS2 (phosphofurin acidic cluster sorting protein 2; plus strand). Cytogenetic location: 14q32.33.
Variant type: single nucleotide variant.
Coding change: c.2691C>T on transcript NM_001100913.3 (MANE Select); coding-DNA position 2691, C replaced by T.
Protein change: p.Phe897=; no amino-acid change (phenylalanine 897 retained).
Molecular consequence: synonymous variant.
Genome position (GRCh38, 1-based): chr14:105,394,648, C>T. VCF-style: chr14-105394648-C-T. GRCh37 (hg19) VCF-style: chr14-105860985-C-T.
Other names: p.Phe897=; c.2421C>T, p.Phe807= (NM_001243127.3); c.2646C>T, p.Phe882= (NM_015197.4); c.2691C>T (NM_001100913.2).
Identifiers: ClinVar variation 1164221 (VCV001164221.43), dbSNP rs149437508, ClinGen allele CA7389374.